The following is an entry in ClinVar:

NM_005802.5(TOPORS):c.2299C>G (p.His767Asp)

Gene: TOPORS (TOP1 binding arginine/serine rich protein, E3 ubiquitin ligase; minus strand). Cytogenetic location: 9p21.1.
Variant type: single nucleotide variant.
Coding change: c.2299C>G on transcript NM_005802.5 (MANE Select); coding-DNA position 2299, C replaced by G.
Protein change: p.His767Asp; replaces histidine 767 with aspartic acid.
Molecular consequence: missense variant.
Genome position (GRCh38, 1-based): chr9:32,542,226, G>C on the plus strand (C>G on the coding strand, the complement: TOPORS is on the minus strand). VCF-style: chr9-32542226-G-C. GRCh37 (hg19) VCF-style: chr9-32542224-G-C.
Other names: c.2299C>G (NM_005802.4); c.2104C>G, p.His702Asp (NM_001195622.2); short protein forms H767D, H702D.
Identifiers: ClinVar variation 1925773 (VCV001925773.6), dbSNP rs998096693, ClinGen allele CA192358481.

ClinVar aggregate classification (germline): Uncertain significance. Review status: criteria provided, multiple submitters, no conflicts (2 of 4 stars). 2 submissions from 2 submitters: Uncertain significance (2). Last evaluated 2026-06-23.

Conditions:
TOPORS-related disorder. Also called: TOPORS-related condition.

Allele frequency attached by ClinVar (database versions not stated): gnomAD 0.00002; TOPMed 0.00002.
gnomAD v4.1: 9 of 1,614,018 alleles (0.00056%); highest among the groups gnomAD compares: African/African-American, 0.0013%; no homozygotes.

Submissions (2):

PreventionGenetics, part of Exact Sciences
Classification: Uncertain significance for TOPORS-related condition. Last evaluated: 2026-06-23. Review status: criteria provided, single submitter. Criteria: ACMG Guidelines, 2015. Collection method: clinical testing. Allele origin: germline.
Comment: The TOPORS c.2299C>G variant is predicted to result in the amino acid substitution p.His767Asp. To our knowledge, this variant has not been reported in the literature or in a large population database (gnomAD), indicating this variant is rare. At this time, the clinical significance of this variant is uncertain due to the absence of conclusive functional and genetic evidence.

Labcorp Genetics (formerly Invitae), Labcorp
Classification: Uncertain significance. Last evaluated: 2023-04-14. Review status: criteria provided, single submitter. Criteria: Invitae Variant Classification Sherloc (09022015). Collection method: clinical testing. Allele origin: germline.
Comment: In summary, the available evidence is currently insufficient to determine the role of this variant in disease. Therefore, it has been classified as a Variant of Uncertain Significance. Experimental studies and prediction algorithms are not available or were not evaluated, and the functional significance of this variant is currently unknown. ClinVar contains an entry for this variant (Variation ID: 1925773). This variant has not been reported in the literature in individuals affected with TOPORS-related conditions. This variant is not present in population databases (gnomAD no frequency). This sequence change replaces histidine, which is basic and polar, with aspartic acid, which is acidic and polar, at codon 767 of the TOPORS protein (p.His767Asp).